The following is an entry in ClinVar:

ClinVar aggregate classification (germline): Uncertain significance. Review status: criteria provided, multiple submitters, no conflicts (2 of 4 stars). 3 submissions from 3 submitters: Uncertain significance (3). Last evaluated 2025-12-22.

Conditions:
Hereditary cancer-predisposing syndrome. Also called: Hereditary neoplastic syndrome; Hereditary Cancer Syndrome; Tumor predisposition; Neoplastic Syndromes, Hereditary. Identifiers: Orphanet 140162, MedGen C0027672, MeSH D009386, MONDO:0015356.
Hyperparathyroidism 1 (HRPT1). Also called: HYPERPARATHYROIDISM, FAMILIAL ISOLATED PRIMARY. Identifiers: Orphanet 99879, MedGen C1840402, MONDO:0007767, OMIM 145000.
Parathyroid carcinoma (PRTC). Also called: Parathyroid gland carcinoma; CDC73-Related Parathyroid Carcinoma. Identifiers: Orphanet 143, MedGen C0687150, MONDO:0012004, OMIM 608266, HP:0006780.
Hyperparathyroidism 2 with jaw tumors. Also called: Hyperparathyroidism 2; Hyperparathyroidism-Jaw Tumor Syndrome; HYPERPARATHYROIDISM, FAMILIAL PRIMARY, WITH MULTIPLE OSSIFYING JAW FIBROMAS; HYPERPARATHYROIDISM-JAW TUMOR SYNDROME, HEREDITARY. Identifiers: Orphanet 99880, MedGen C1704981, MONDO:0007768, OMIM 145001.

Allele frequency attached by ClinVar (database versions not stated): gnomAD 0.00001 and 0.00002; gnomAD exomes 0.00001 and 0.00002; TOPMed 0.00001; ExAC 0.00002.
gnomAD v4.1: 14 of 1,608,430 alleles (0.00087%); highest among the groups gnomAD compares: Admixed American, 0.0033%; no homozygotes.

Submissions (3):

Labcorp Genetics (formerly Invitae), Labcorp
Classification: Uncertain significance for Parathyroid carcinoma. Last evaluated: 2025-12-22. Review status: criteria provided, single submitter. Criteria: Invitae Variant Classification Sherloc (09022015). Collection method: clinical testing. Allele origin: germline.
Comment: This sequence change replaces serine, which is neutral and polar, with leucine, which is neutral and non-polar, at codon 527 of the CDC73 protein (p.Ser527Leu). This variant is present in population databases (rs767254478, gnomAD 0.01%). This variant has not been reported in the literature in individuals affected with CDC73-related conditions. ClinVar contains an entry for this variant (Variation ID: 964695). Invitae Evidence Modeling of protein sequence and biophysical properties (such as structural, functional, and spatial information, amino acid conservation, physicochemical variation, residue mobility, and thermodynamic stability) indicates that this missense variant is not expected to disrupt CDC73 protein function with a negative predictive value of 80%. In summary, the available evidence is currently insufficient to determine the role of this variant in disease. Therefore, it has been classified as a Variant of Uncertain Significance.

Ambry Genetics
Classification: Uncertain significance for Hereditary cancer-predisposing syndrome. Last evaluated: 2025-08-05. Review status: criteria provided, single submitter. Criteria: Ambry Variant Classification Scheme 2023. Collection method: clinical testing. Allele origin: germline.
Comment: The p.S527L variant (also known as c.1580C>T), located in coding exon 17 of the CDC73 gene, results from a C to T substitution at nucleotide position 1580. The serine at codon 527 is replaced by leucine, an amino acid with dissimilar properties. This amino acid position is well conserved in available vertebrate species. In addition, the in silico prediction for this alteration is inconclusive. Since supporting evidence is limited at this time, the clinical significance of this alteration remains unclear.

Fulgent Genetics
Classification: Uncertain significance for Hyperparathyroidism 1; Hyperparathyroidism 2 with jaw tumors; Parathyroid carcinoma. Last evaluated: 2024-06-11. Review status: criteria provided, single submitter. Criteria: ACMG Guidelines, 2015. Collection method: clinical testing. Allele origin: germline.

NM_024529.5(CDC73):c.1580C>T (p.Ser527Leu)

Gene: CDC73 (cell division cycle 73; plus strand). Cytogenetic location: 1q31.2.
Variant type: single nucleotide variant.
Coding change: c.1580C>T on transcript NM_024529.5 (MANE Select); coding-DNA position 1580, C replaced by T.
Protein change: p.Ser527Leu; replaces serine 527 with leucine.
Molecular consequence: missense variant.
Genome position (GRCh38, 1-based): chr1:193,250,696, C>T. VCF-style: chr1-193250696-C-T. GRCh37 (hg19) VCF-style: chr1-193219826-C-T.
Other names: short protein forms S527L.
Identifiers: ClinVar variation 964695 (VCV000964695.15), dbSNP rs767254478, ClinGen allele CA1303897.